The following is an entry in ClinVar:

NM_001939.3(DRP2):c.473A>G (p.Tyr158Cys)

Gene: DRP2 (dystrophin related protein 2; plus strand). Cytogenetic location: Xq22.1.
Variant type: single nucleotide variant.
Coding change: c.473A>G on transcript NM_001939.3 (MANE Select); coding-DNA position 473, A replaced by G.
Protein change: p.Tyr158Cys; replaces tyrosine 158 with cysteine.
Molecular consequence: missense variant.
Genome position (GRCh38, 1-based): chrX:101,239,015, A>G. VCF-style: chrX-101239015-A-G. GRCh37 (hg19) VCF-style: chrX-100494004-A-G.
Other names: c.239A>G, p.Tyr80Cys (NM_001171184.2); short protein forms Y158C, Y80C.
Identifiers: ClinVar variation 2999757 (VCV002999757.3), dbSNP rs2523064185, ClinGen allele CA413914155.

ClinVar aggregate classification (germline): Uncertain significance (1 of 4 stars; one submission).

Allele frequency attached by ClinVar (database versions not stated): gnomAD exomes below 0.00001.
gnomAD v4.1: 5 of 1,211,252 alleles (0.00041%); highest among the groups gnomAD compares: Non-Finnish European, 0.00034%; no homozygotes.

Submission:

Labcorp Genetics (formerly Invitae), Labcorp
Classification: Uncertain significance. Last evaluated: 2023-08-04. Review status: criteria provided, single submitter. Criteria: Invitae Variant Classification Sherloc (09022015). Collection method: clinical testing. Allele origin: germline.
Comment: In summary, the available evidence is currently insufficient to determine the role of this variant in disease. Therefore, it has been classified as a Variant of Uncertain Significance. Advanced modeling of protein sequence and biophysical properties (such as structural, functional, and spatial information, amino acid conservation, physicochemical variation, residue mobility, and thermodynamic stability) performed at Invitae indicates that this missense variant is not expected to disrupt DRP2 protein function. This variant has not been reported in the literature in individuals affected with DRP2-related conditions. This variant is not present in population databases (gnomAD no frequency). This sequence change replaces tyrosine, which is neutral and polar, with cysteine, which is neutral and slightly polar, at codon 158 of the DRP2 protein (p.Tyr158Cys).